The following is an entry in ClinVar:

NM_006846.4(SPINK5):c.2915A>G (p.His972Arg)

Gene: SPINK5 (serine peptidase inhibitor Kazal type 5; plus strand). Cytogenetic location: 5q32.
Variant type: single nucleotide variant.
Coding change: c.2915A>G on transcript NM_006846.4 (MANE Select); coding-DNA position 2915, A replaced by G.
Protein change: p.His972Arg; replaces histidine 972 with arginine.
Molecular consequence: missense variant.
Genome position (GRCh38, 1-based): chr5:148,127,030, A>G. VCF-style: chr5-148127030-A-G. GRCh37 (hg19) VCF-style: chr5-147506593-A-G.
Other names: c.3005A>G, p.His1002Arg (NM_001127698.2); short protein forms H972R, H1002R.
Identifiers: ClinVar variation 351541 (VCV000351541.21), dbSNP rs17705005, ClinGen allele CA3496183.
Genomic context (GRCh38, chr5:148,127,030, plus strand): 5'-TTTTCTTCTCTAGTCTAACAGAAGCTTTGGAAAGGGCAAAGCTTCAAGAAAAGCCATCCC[A>G]TGTTAGAGCTTCTCAAGAGGAAGACAGCCCAGACTCTTTCAGTTCTCTGGTAAGGAGGAC-3'
Protein context (NP_006837.2, residues 962-982): ERAKLQEKPS[His972Arg]VRASQEEDSP

ClinVar aggregate classification (germline): Benign/Likely benign. Review status: criteria provided, multiple submitters, no conflicts (2 of 4 stars). 8 submissions from 8 submitters: Benign (5); Likely benign (1). 2 of the submissions do not count toward it. Last evaluated 2026-02-02.

Conditions:
Ichthyosis linearis circumflexa. Identifiers: MedGen C0265962, MONDO:0043106, HP:0025810.
Netherton syndrome (NETH). Also called: NETHERTON DISEASE; ERYTHRODERMA, ICHTHYOSIFORM, WITH HYPOTRICHOSIS AND HYPER-IgE; COMEL-NETHERTON SYNDROME. Identifiers: Orphanet 634, MedGen C5574950, MONDO:0009735, OMIM 256500.

Allele frequency attached by ClinVar (database versions not stated): 1000 Genomes Project 30x 0.00999; 1000 Genomes Project 0.01018; TOPMed 0.02031; ESP Exome Variant Server 0.02355; gnomAD 0.02380 and 0.02442; gnomAD exomes 0.02406 and 0.03020; ExAC 0.02471.
gnomAD v4.1: 47,526 of 1,613,624 alleles (2.9%); highest among the groups gnomAD compares: Non-Finnish European, 3.4%; 856 homozygotes.

Submissions (8):

Labcorp Genetics (formerly Invitae), Labcorp
Classification: Benign for Ichthyosis linearis circumflexa. Last evaluated: 2026-02-02. Review status: criteria provided, single submitter. Criteria: Invitae Variant Classification Sherloc (09022015). Collection method: clinical testing. Allele origin: germline.

Women's Health and Genetics/Laboratory Corporation of America, LabCorp
Classification: Likely benign. Last evaluated: 2026-01-22. Review status: criteria provided, single submitter. Criteria: LabCorp Variant Classification Summary - May 2015. Collection method: clinical testing. Allele origin: germline.

Department of Pathology and Laboratory Medicine, Sinai Health System
Classification: Benign for Netherton syndrome. Last evaluated: 2023-01-18. Review status: criteria provided, single submitter. Criteria: ACMG Guidelines, 2015. Collection method: research. Allele origin: germline.

Mayo Clinic Laboratories, Mayo Clinic
Classification: Benign. Last evaluated: 2018-09-13. Review status: criteria provided, single submitter. Criteria: ACMG Guidelines, 2015. Collection method: clinical testing. Allele origin: germline. Observed: 13 variant alleles.

Illumina Laboratory Services, Illumina
Classification: Benign for Netherton syndrome. Last evaluated: 2018-01-12. Review status: criteria provided, single submitter. Criteria: ICSL Variant Classification Criteria 13 December 2019. Collection method: clinical testing. Allele origin: germline.
Comment: This variant was observed in the ICSL laboratory as part of a predisposition screen in an ostensibly healthy population. It had not been previously curated by ICSL or reported in the Human Gene Mutation Database (HGMD: prior to June 1st, 2018), and was therefore a candidate for classification through an automated scoring system. Utilizing variant allele frequency, disease prevalence and penetrance estimates, and inheritance mode, an automated score was calculated to assess if this variant is too frequent to cause the disease. Based on the score and internal cut-off values, a variant classified as benign is not then subjected to further curation. The score for this variant resulted in a classification of benign for this disease.

GeneDx
Classification: Benign. Last evaluated: 2015-03-03. Review status: criteria provided, single submitter. Criteria: GeneDx Variant Classification Process June 2021. Collection method: clinical testing. Allele origin: germline. Affected: yes.

Genome Diagnostics Laboratory, University Medical Center Utrecht
Classification: Benign. Review status: no assertion criteria provided. Collection method: clinical testing. Allele origin: germline. Affected: yes. Study: VKGL Data-share Consensus. Not counted in ClinVar's aggregate classification.

Laboratory of Diagnostic Genome Analysis, Leiden University Medical Center (LUMC)
Classification: Likely benign. Review status: no assertion criteria provided. Collection method: clinical testing. Allele origin: germline. Affected: yes. Study: VKGL Data-share Consensus. Not counted in ClinVar's aggregate classification.